The following is an entry in ClinVar:

NM_001098.3(ACO2):c.220C>G (p.Leu74Val)

Gene: ACO2 (aconitase 2; plus strand). Cytogenetic location: 22q13.2.
Variant type: single nucleotide variant.
Coding change: c.220C>G on transcript NM_001098.3 (MANE Select); coding-DNA position 220, C replaced by G.
Protein change: p.Leu74Val; replaces leucine 74 with valine.
Molecular consequence: missense variant.
Genome position (GRCh38, 1-based): chr22:41,507,837, C>G. VCF-style: chr22-41507837-C-G. GRCh37 (hg19) VCF-style: chr22-41903841-C-G.
Other names: ACO2, LEU74VAL (rs141772938); short protein forms L74V.
Identifiers: ClinVar variation 189310 (VCV000189310.85), dbSNP rs141772938, ClinGen allele CA248785.
Genomic context (GRCh38, chr22:41,507,837, plus strand): 5'-TCTTCTCCCCACAGACTGAACCGGCCGCTGACACTCTCGGAGAAGATTGTGTATGGACAC[C>G]TGGATGACCCCGCCAGCCAGGAAATTGAGCGAGGCAAGTCGTACCTGCGGCTGCGGCCGG-3'
Protein context (NP_001089.1, residues 64-84): TLSEKIVYGH[Leu74Val]DDPASQEIER

ClinVar aggregate classification (germline): Conflicting classifications of pathogenicity. Review status: criteria provided, conflicting classifications (1 of 4 stars). 18 submissions from 17 submitters: Likely pathogenic (2); Uncertain significance (10); Benign (1); Likely benign (3). 2 of the submissions do not count toward it. Last evaluated 2026-06-09.

Conditions:
Possible mitochondrial disorder - nuclear genes.
OPTIC ATROPHY 9, AUTOSOMAL RECESSIVE.
ACO2-related disorder. Also called: ACO2-Related Disorders.
Optic atrophy 9 (OPA9). Identifiers: MedGen C4225384, MONDO:0014571, OMIM 616289.
Infantile cerebellar-retinal degeneration (ICRD). Identifiers: Orphanet 313850, MedGen C3281192, MONDO:0013802, OMIM 614559.
Optic atrophy. Identifiers: MedGen C0029124, MONDO:0003608, HP:0000648.
Retinal dystrophy. Also called: Inherited retinal dystrophy. Identifiers: Orphanet 71862, MedGen C0854723, MeSH D058499, MONDO:0019118, HP:0000556.

Allele frequency attached by ClinVar (database versions not stated): 1000 Genomes Project 30x 0.00125; 1000 Genomes Project 0.00160; TOPMed 0.00354; gnomAD 0.00367 and 0.00383; gnomAD exomes 0.00370 and 0.00477; ExAC 0.00414; ESP Exome Variant Server 0.00415.
gnomAD v4.1: 7,438 of 1,614,196 alleles (0.46%); highest among the groups gnomAD compares: Non-Finnish European, 0.57%; 27 homozygotes.

Submissions 1 to 15 of 18:

PreventionGenetics, part of Exact Sciences
Classification: Uncertain significance for ACO2-related condition. Last evaluated: 2026-06-09. Review status: criteria provided, single submitter. Criteria: ACMG Guidelines, 2015. Collection method: clinical testing. Allele origin: germline.
Comment: The ACO2 c.220C>G variant is predicted to result in the amino acid substitution p.Leu74Val. This variant has been reported several times in the compound heterozygous state, often with a loss of function variant, in individuals affected with optic atrophy and has been found to segregate with disease in the cases of multiple affected family members (Metodiev et al. 2014. PubMed ID: 25351951; Kelman et al. 2018. PubMed ID: 30118607; Benkirane et al. 2021. PubMed ID: 34234304; Charif et al. 2021. PubMed ID: 34056600; Weisschuh et al. 2024. PubMed ID: 37734845). Functional studies suggest that this variant may alter stability of the protein (Metodiev et al. 2014. PubMed ID: 25351951). However, this variant has also been reported at frequencies up to ~0.7%, including four homozygotes in a large population database (gnomAD). This variant also has conflicting interpretations of pathogenicity in the ClinVar database (Variation ID: 189310). Currently, we suspect that this variant is pathogenic and represents a mildly hypomorphic allele; however, at this time, the clinical significance of this variant is uncertain due to the conflicting functional and genetic evidence.

Genetics Laboratory, Great Ormond Street Hospital NHS Foundation Trust, North Thames Genomic Laboratory Hub
Classification: Uncertain significance for Possible mitochondrial disorder - nuclear genes. Last evaluated: 2026-05-18. Review status: criteria provided, single submitter. Criteria: ACGS Best Practice Guidelines for Variant Classification in Rare Disease 2024 v1.2. Collection method: clinical testing. Allele origin: germline. Affected: yes.
Comment: BS2_strong, PP3_supporting, PS3_moderate, PM3_moderate

CeGaT Center for Human Genetics Tuebingen
Classification: Likely benign. Last evaluated: 2026-02-01. Review status: criteria provided, single submitter. Criteria: CeGaT Center For Human Genetics Tuebingen Variant Classification Criteria Version 2. Collection method: clinical testing. Allele origin: germline. Affected: yes. Observed: 18 variant alleles.
Comment: ACO2: BS2

Labcorp Genetics (formerly Invitae), Labcorp
Classification: Benign. Last evaluated: 2026-01-26. Review status: criteria provided, single submitter. Criteria: Invitae Variant Classification Sherloc (09022015). Collection method: clinical testing. Allele origin: germline.

Clinical Genomics Laboratory, Washington University in St. Louis
Classification: Uncertain significance for Optic atrophy 9; Infantile cerebellar-retinal degeneration. Last evaluated: 2026-01-02. Review status: criteria provided, single submitter. Criteria: ACMG Guidelines, 2015. Collection method: clinical testing. Allele origin: germline.
Comment: The ACO2 c.220C>G (p.Leu74Val) variant has been reported in at least nine individuals affected with optic atrophy. Of these individuals, eight were compound heterozygous for the variant and a pathogenic or likely pathogenic variant, although confirmation in trans is uncertain. This variant has been reported in the literature as a hypomorphic variant with a mild effect on ACO2 function (Benkirane M et al., PMID:34234304; Charif M et al., PMID:34056600; Kelman JC et al., PMID:30118607; Metodiev MD et al., PMID:25351951). This variant has been reported in the ClinVar database as a germline likely pathogenic variant by two submitters, as a variant of uncertain significance by five submitters, as a likely benign variant by three submitters, and as a benign variant by one submitter. The highest minor allele frequency reported in the Genome Aggregation Database (gnomAD v2.1.1) is 0.65% in the European non-Finnish population, with four homozygotes also observed. Computational predictors indicate that the variant is damaging, providing evidence that correlates with an impact on ACO2 function. Functional studies show that the p.Leu74Val variant reduces ACO2 enzymatic activity and protein stability in patient-derived fibroblasts and fails to complement growth in yeast lacking aconitase, indicating that this variant impacts ACO2 function (Metodiev MD et al., PMID:25351951). Due to conflicting information, and based on ACMG/AMP guidelines for variant interpretation (Richards S et al., PMID:25741868), the clinical significance of this variant is currently considered uncertain.

Mayo Clinic Laboratories, Mayo Clinic
Classification: Uncertain significance. Last evaluated: 2025-12-02. Review status: criteria provided, single submitter. Criteria: ACMG Guidelines, 2015. Collection method: clinical testing. Allele origin: germline. Observed: 13 variant alleles.
Comment: BA1, BS2, PP1_strong, PP3, PP4, PM3, PS3

GeneDx
Classification: Likely pathogenic. Last evaluated: 2025-10-02. Review status: criteria provided, single submitter. Criteria: GeneDx Variant Classification Process June 2021. Collection method: clinical testing. Allele origin: germline. Affected: yes.
Comment: Functional data demonstrated that the mutant protein failed to rescue mitochondrial aconitase deficient yeast strain (PMID: 25351951); In silico analysis supports that this missense variant has a deleterious effect on protein structure/function; This variant is associated with the following publications: (PMID: 28463998, 29577077, 34056600, 31106992, 30689204, 31765440, 32519519, 34426522, 34354088, 34234304, 25351951, 32449285, 30831606, 30118607, 38007539, 37734845, 38796496, 39462066, 39337438, 38927562)

Blueprint Genetics
Classification: Uncertain significance. Last evaluated: 2024-11-25. Review status: criteria provided, single submitter. Criteria: ACMG Guidelines, 2015. Collection method: clinical testing. Allele origin: germline.

Women's Health and Genetics/Laboratory Corporation of America, LabCorp
Classification: Likely benign. Last evaluated: 2024-01-26. Review status: criteria provided, single submitter. Criteria: LabCorp Variant Classification Summary - May 2015. Collection method: clinical testing. Allele origin: germline.
Comment: Variant summary: ACO2 c.220C>G (p.Leu74Val) results in a conservative amino acid change located in the Aconitase/3-isopropylmalate dehydratase large subunit, alpha/beta/alpha domain (IPR001030) of the encoded protein sequence. Three of five in-silico tools predict a damaging effect of the variant on protein function. The variant allele was found at a frequency of 0.0037 in 250844 control chromosomes in the gnomAD database, including 4 homozygotes. c.220C>G has been reported in the literature in individuals affected with isolated or syndromic optic neuropathy with encephalopathy and cerebellar atrophy (Metodiev_2014, Benkirane_2021, Charif_2021). These reports do not provide unequivocal conclusions about association of the variant with ACO2-Related Disorders. At least one publication reports experimental evidence evaluating an impact on protein function and this variant was unable to complement the growth defect in yeast model (Metodiev_2014). The following publications have been ascertained in the context of this evaluation (PMID: 34234304, 34056600, 25351951). ClinVar contains an entry for this variant (Variation ID: 189310). Based on the evidence outlined above, the variant was classified as likely benign.

Institute of Human Genetics, Univ. Regensburg, Univ. Regensburg
Classification: Uncertain significance for Optic atrophy. Last evaluated: 2023-01-01. Review status: criteria provided, single submitter. Criteria: ACMG Guidelines, 2015. Collection method: clinical testing. Allele origin: germline. Affected: yes.

Institute of Human Genetics, Univ. Regensburg, Univ. Regensburg
Classification: Uncertain significance for Retinal dystrophy. Last evaluated: 2023-01-01. Review status: criteria provided, single submitter. Criteria: ACMG Guidelines, 2015. Collection method: clinical testing. Allele origin: germline. Affected: yes.

MGZ Medical Genetics Center
Classification: Uncertain significance for Optic atrophy 9. Last evaluated: 2022-06-23. Review status: criteria provided, single submitter. Criteria: ACMG Guidelines, 2015. Collection method: clinical testing. Allele origin: germline. Affected: yes. Observed: 2 variant alleles.
Comment: ACMG criteria applied: PM3, PS3_SUP, BP4

Institute of Medical Genetics and Applied Genomics, University Hospital Tübingen
Classification: Likely pathogenic. Last evaluated: 2021-02-01. Review status: criteria provided, single submitter. Criteria: ACMG Guidelines, 2015. Collection method: clinical testing. Allele origin: germline. Inheritance: Autosomal recessive inheritance. Affected: yes.

Mendelics
Classification: Likely benign for Infantile cerebellar-retinal degeneration. Last evaluated: 2019-05-28. Review status: criteria provided, single submitter. Criteria: Mendelics Assertion Criteria 2017. Collection method: clinical testing. Allele origin: unknown.

Fulgent Genetics
Classification: Uncertain significance for Infantile cerebellar-retinal degeneration; Optic atrophy 9. Last evaluated: 2018-10-31. Review status: criteria provided, single submitter. Criteria: ACMG Guidelines, 2015. Collection method: clinical testing. Allele origin: unknown.